The following is an entry in ClinVar:

NM_001369.3(DNAH5):c.12630C>A (p.Tyr4210Ter)

Gene: DNAH5 (dynein axonemal heavy chain 5; minus strand). Cytogenetic location: 5p15.2.
Variant type: single nucleotide variant.
Coding change: c.12630C>A on transcript NM_001369.3 (MANE Select); coding-DNA position 12630, C replaced by A.
Protein change: p.Tyr4210Ter; replaces tyrosine 4210 with a stop codon.
Molecular consequence: nonsense.
Genome position (GRCh38, 1-based): chr5:13,717,390, G>T on the plus strand (C>A on the coding strand, the complement: DNAH5 is on the minus strand). VCF-style: chr5-13717390-G-T. GRCh37 (hg19) VCF-style: chr5-13717499-G-T.
Other names: short protein forms Y4210*.
Identifiers: ClinVar variation 2849691 (VCV002849691.3), dbSNP rs766099303, ClinGen allele CA359207000.
Genomic context (GRCh38, chr5:13,717,390, plus strand): 5'-GTCATCCAAGTGGTTTTGGATGAACTGCACAGTGGCATTAAAGTCCGCTTGGTTAAATTC[G>T]TAGGGGATATTCCACCCCAGGGCACCGAACTTGCGCCTCTCCTGGACAGTGGAGTGCAGG-3'

ClinVar aggregate classification (germline): Pathogenic (1 of 4 stars; one submission).

Conditions:
Primary ciliary dyskinesia. Also called: Ciliary dyskinesia. Identifiers: Orphanet 244, MedGen C0008780, MONDO:0016575, HP:0012265.

Submission:

Labcorp Genetics (formerly Invitae), Labcorp
Classification: Pathogenic for Primary ciliary dyskinesia. Last evaluated: 2024-01-09. Review status: criteria provided, single submitter. Criteria: Invitae Variant Classification Sherloc (09022015). Collection method: clinical testing. Allele origin: germline.
Comment: This sequence change creates a premature translational stop signal (p.Tyr4210*) in the DNAH5 gene. It is expected to result in an absent or disrupted protein product. Loss-of-function variants in DNAH5 are known to be pathogenic (PMID: 11788826, 16627867). This variant is not present in population databases (gnomAD no frequency). This variant has not been reported in the literature in individuals affected with DNAH5-related conditions. For these reasons, this variant has been classified as Pathogenic.

Literature cited by the submitters: PubMed 11788826; PubMed 16627867.